The following is an entry in ClinVar:

NM_000152.5(GAA):c.1192dup (p.Leu398fs)

Gene: GAA (alpha glucosidase; plus strand). Cytogenetic location: 17q25.3.
Variant type: Duplication.
Coding change: c.1192dup on transcript NM_000152.5 (MANE Select); coding-DNA position 1192, one base duplicated (C; older notation c.1192dupC).
Protein change: p.Leu398fs; shifts the reading frame from leucine 398.
Molecular consequence: frameshift variant.
Genome position (GRCh38, 1-based): chr17:80,108,605, C duplicated; the last of 5 consecutive C bases (chr17:80,108,601-80,108,605); duplicating any one gives the same sequence. VCF-style (leftmost placement, unchanged base first): chr17-80108600-T-TC. GRCh37 (hg19) VCF-style: chr17-78082399-T-TC.
Other names: c.1192dup (LRG_673t1); c.1192dup, p.Leu398fs (NM_001079803.3, NM_001079804.3); short protein forms L398fs.
Identifiers: ClinVar variation 370510 (VCV000370510.7), dbSNP rs1057516546, ClinGen allele CA16041890.
Genomic context (GRCh38, chr17:80,108,600, plus strand): 5'-GGGGCTACTCCTCCACCGCTATCACCCGCCAGGTGGTGGAGAACATGACCAGGGCCCACT[T>TC]CCCCCTGGTGAGTTGGGGTGGTGGCAGGGGAGGCAAGGGGCTGGCCGGGACGCGTCTCCT-3'

ClinVar aggregate classification (germline): Pathogenic. Review status: reviewed by expert panel (3 of 4 stars). 3 submissions from 3 submitters: Pathogenic (1). 2 of the submissions do not count toward it. Last evaluated 2020-09-20.

Conditions:
Glycogen storage disease, type II (IOPD). Also called: GLYCOGENOSIS, GENERALIZED, CARDIAC FORM; Glucosidase acid-1,4-alpha deficiency; Pompe Disease; POMPE DISEASE, INFANTILE-ONSET; GSD II; Glycogen storage disease type 2. Identifiers: Orphanet 365, MedGen C0017921, MONDO:0009290, OMIM 232300.

Submissions (3):

ClinGen Lysosomal Storage Disorder Variant Curation Expert Panel
Classification: Pathogenic for Glycogen storage disease, type II. Last evaluated: 2020-09-20. Review status: reviewed by expert panel. Criteria: ClinGen LSD ACMG Specifications v1. Collection method: curation. Allele origin: germline. Inheritance: Autosomal recessive inheritance.
Comment: This variant, c.1192dup (p.Leu398ProfsTer108), is a frameshift variant that is predicted to result in a premature termination codon, nonsense mediated decay, and lack of gene product, meeting PVS1. This variant is not in gnomAD v2.1.1, meeting PM2. One patient has been reported who meets the ClinGen LSD VCEP's specifications for PP4 and who is compound heterozygous with c.-32-13T>G pathogenic variant, phase unknown (PMID 17616415), meeting PM3_Supporting. The variant has been reported in additional publications but GAA activity was not provided and therefore the data was not included (PMIDs 22980766, 27711114). There is a ClinVar entry for this variant (Variation ID: 370510, 1 star review status) with one submitter classifying the variant as likely pathogenic. In summary, this variant meets the criteria to be classified as pathogenic for Pompe disease. GAA-specific ACMG/AMP criteria applied, as specified by the ClinGen LSD VCEP: PVS1, PM2, PM3_supporting, PP4.

Genomenon, Inc
Classification: Pathogenic for Glycogen storage disease, type II. Last evaluated: 2026-07-01. Review status: criteria provided, single submitter. Criteria: Genomenon Sequence Variant Interpretation Standards - Updated. Collection method: curation. Allele origin: germline. Affected: yes. Not counted in ClinVar's aggregate classification.
Comment: GAA p.Leu398ProfsTer108 (c.1192dup) is a frameshift variant that is predicted to introduce a premature termination codon and result in a truncated or absent protein product. This variant has been observed in at least one proband with a GAA-related disorder (PMID:27711114;17616415). It is absent or not present at a significant frequency in gnomAD. In conclusion, we classify GAA p.Leu398ProfsTer108 (c.1192dup) as a pathogenic variant.

Counsyl
Classification: Likely pathogenic for Glycogen storage disease, type II. Last evaluated: 2016-02-23. Review status: no assertion criteria provided. Collection method: clinical testing. Allele origin: unknown. Not counted in ClinVar's aggregate classification.

Literature cited by the submitters: PubMed 17616415 (cited by 3 submitters); PubMed 27711114 (cited by ClinGen Lysosomal Storage Disorder Variant Curation Expert Panel and Genomenon, Inc); PubMed 22980766 (cited by ClinGen Lysosomal Storage Disorder Variant Curation Expert Panel).